The following is an entry in ClinVar:

NM_004369.4(COL6A3):c.3680-14C>G

Gene: COL6A3 (collagen type VI alpha 3 chain; minus strand). Cytogenetic location: 2q37.3.
Variant type: single nucleotide variant.
Coding change: c.3680-14C>G on transcript NM_004369.4 (MANE Select); 14 bases into the intron before coding-DNA position 3680, C replaced by G.
Molecular consequence: intron variant.
Genome position (GRCh38, 1-based): chr2:237,372,351, G>C on the plus strand (C>G on the coding strand, the complement: COL6A3 is on the minus strand). VCF-style: chr2-237372351-G-C. GRCh37 (hg19) VCF-style: chr2-238280994-G-C.
Other names: c.1859-14C>G (NM_057166.5); c.3062-14C>G (NM_057167.4, NM_057165.5); c.2459-14C>G (NM_057164.5).
Identifiers: ClinVar variation 2086705 (VCV002086705.4), dbSNP rs763703816, ClinGen allele CA1043798648.

ClinVar aggregate classification (germline): Uncertain significance (1 of 4 stars; one submission).

Conditions:
Bethlem myopathy 1A. Also called: MYOPATHY, BENIGN CONGENITAL, WITH CONTRACTURES; Bethlem myopathy 1; Bethlem Muscular Dystrophy. Identifiers: Orphanet 610, MedGen CN029274, MONDO:0024530, OMIM 158810.

Allele frequency attached by ClinVar (database versions not stated): gnomAD 0.00001.
gnomAD v4.1: 1 of 1,602,284 alleles (0.000062%); highest among the groups gnomAD compares: African/African-American, 0.0013%; no homozygotes.

Submission:

Labcorp Genetics (formerly Invitae), Labcorp
Classification: Uncertain significance for Bethlem myopathy 1A. Last evaluated: 2023-07-10. Review status: criteria provided, single submitter. Criteria: Invitae Variant Classification Sherloc (09022015). Collection method: clinical testing. Allele origin: germline.
Comment: In summary, the available evidence is currently insufficient to determine the role of this variant in disease. Therefore, it has been classified as a Variant of Uncertain Significance. Algorithms developed to predict the effect of sequence changes on RNA splicing suggest that this variant may create or strengthen a splice site. This sequence change falls in intron 8 of the COL6A3 gene. It does not directly change the encoded amino acid sequence of the COL6A3 protein. This variant is not present in population databases (gnomAD no frequency). This variant has not been reported in the literature in individuals affected with COL6A3-related conditions. ClinVar contains an entry for this variant (Variation ID: 2086705).